The following is an entry in ClinVar:

ClinVar aggregate classification (germline): Uncertain significance (1 of 4 stars; one submission).

Conditions:
Hereditary cancer-predisposing syndrome. Also called: Tumor predisposition; Neoplastic Syndromes, Hereditary; Hereditary Cancer Syndrome; Hereditary neoplastic syndrome. Identifiers: Orphanet 140162, MedGen C0027672, MeSH D009386, MONDO:0015356.

Submission:

Color Diagnostics, LLC DBA Color Health
Classification: Uncertain significance for Hereditary cancer-predisposing syndrome. Last evaluated: 2021-02-17. Review status: criteria provided, single submitter. Criteria: ACMG Guidelines, 2015. Collection method: clinical testing. Allele origin: germline.
Comment: This variant causes a deletion of 14 nucleotides in the 5' untranslated region of the CDKN2A (p16INK4A) gene. To our knowledge, functional studies have not been reported for this variant. This variant has not been reported in individuals affected with hereditary cancer in the literature. This variant has not been identified in the general population by the Genome Aggregation Database (gnomAD). The available evidence is insufficient to determine the role of this variant in disease conclusively. Therefore, this variant is classified as a Variant of Uncertain Significance.

NM_058195.4(CDKN2A):c.194-3654_194-3641del

Genes: CDKN2A (cyclin dependent kinase inhibitor 2A; minus strand), LOC130001603 (ATAC-STARR-seq lymphoblastoid silent region 19811; plus strand). Cytogenetic location: 9p21.3.
Variant type: Deletion.
Coding change: c.194-3654_194-3641del on transcript NM_058195.4 (MANE Plus Clinical); 3654 bases into the intron before coding-DNA position 194 through 3641 bases into the intron before coding-DNA position 194, 14 bases deleted (AGGGGGAGAGCAGG).
Molecular consequence: intron variant.
Genome position (GRCh38, 1-based): chr9:21,974,849-21,974,862, CCTGCTCTCCCCCT deleted on the plus strand (AGGGGGAGAGCAGG on the coding strand, the reverse complement: CDKN2A is on the minus strand); deleting any 14 consecutive bases within chr9:21,974,849-21,974,863 gives the same sequence; the c. name uses the placement nearest the transcript's 3' end. VCF-style (leftmost placement, unchanged base first): chr9-21974848-GCCTGCTCTCCCCCT-G. GRCh37 (hg19) VCF-style: chr9-21974847-GCCTGCTCTCCCCCT-G.
Other names: c.-3-3654_-3-3641del (NM_001363763.2).
Identifiers: ClinVar variation 1332505 (VCV001332505.4), dbSNP rs2131114560, ClinGen allele CA2573053162.
Genomic context (GRCh38, chr9:21,974,848, plus strand): 5'-CAGCCGAAGGCTCCATGCTGCTCCCCGCCGCCGGCTCCATGCTGCTCCCCGCCGCCCGCT[GCCTGCTCTCCCCCT>G]CTCCGCAGCCGCCGAGCGCACGCGGTCCGCCCCACCCTCTGGTGACCAGCCAGCCCCTCC-3'